The following is an entry in ClinVar:

NM_000181.4(GUSB):c.1425C>T (p.Pro475=)

Gene: GUSB (glucuronidase beta; minus strand). Cytogenetic location: 7q11.21.
Variant type: single nucleotide variant.
Coding change: c.1425C>T on transcript NM_000181.4 (MANE Select); coding-DNA position 1425, C replaced by T.
Protein change: p.Pro475=; no amino-acid change (proline 475 retained).
Molecular consequence: synonymous variant.
Genome position (GRCh38, 1-based): chr7:65,970,333, G>A on the plus strand (C>T on the coding strand, the complement: GUSB is on the minus strand). VCF-style: chr7-65970333-G-A. GRCh37 (hg19) VCF-style: chr7-65435320-G-A.
Other names: c.1425C>T (NM_000181.3); c.987C>T, p.Pro329= (NM_001284290.2); c.855C>T, p.Pro285= (NM_001293104.2); c.768C>T, p.Pro256= (NM_001293105.2).
Identifiers: ClinVar variation 1672450 (VCV001672450.10), dbSNP rs1791109537, ClinGen allele CA455443539.
Genomic context (GRCh38, chr7:65,970,333, plus strand): 5'-CAGGCTCACCCCCTTGTCTGCTGCATAGTTAGAGTTGCTCACAAAGGTCACAGGCCGGGA[G>A]GGGTCCAAGGATTTGGTGTGAGCGATCACCATCCTGTCCACAAAAGGCAGAAGAAACAGG-3'
Protein context (NP_000172.2, residues 465-485): MVIAHTKSLD[Pro475=]SRPVTFVSNS

ClinVar aggregate classification (germline): Likely benign. Review status: criteria provided, single submitter (1 of 4 stars). 2 submissions from 2 submitters: Likely benign (1). 1 of the submissions does not count toward it. Last evaluated 2024-10-21.

Conditions:
GUSB-related disorder. Also called: GUSB-related condition.
Mucopolysaccharidosis type 7 (MPS7). Also called: GUSB DEFICIENCY; SLY SYNDROME; BETA-GLUCURONIDASE DEFICIENCY; MPS VII. Identifiers: Orphanet 584, MedGen C0085132, MONDO:0009662, OMIM 253220.

Allele frequency attached by ClinVar (database versions not stated): gnomAD exomes below 0.00001; TOPMed 0.00001.
gnomAD v4.1: 6 of 1,613,350 alleles (0.00037%); highest among the groups gnomAD compares: African/African-American, 0.0067%; no homozygotes.

Submissions (2):

Labcorp Genetics (formerly Invitae), Labcorp
Classification: Likely benign for Mucopolysaccharidosis type 7. Last evaluated: 2024-10-21. Review status: criteria provided, single submitter. Criteria: Invitae Variant Classification Sherloc (09022015). Collection method: clinical testing. Allele origin: germline.

PreventionGenetics, part of Exact Sciences
Classification: Likely benign for GUSB-related condition. Last evaluated: 2019-03-12. Review status: no assertion criteria provided. Collection method: clinical testing. Allele origin: germline. Not counted in ClinVar's aggregate classification.
Comment: This variant is classified as likely benign based on ACMG/AMP sequence variant interpretation guidelines (Richards et al. 2015 PMID: 25741868, with internal and published modifications).